The following is an entry in ClinVar:

NM_001377299.1(NDUFS2):c.1000G>A (p.Val334Met)

Gene: NDUFS2 (NADH:ubiquinone oxidoreductase core subunit S2; plus strand). Cytogenetic location: 1q23.3.
Variant type: single nucleotide variant.
Coding change: c.1000G>A on transcript NM_001377299.1 (MANE Select); coding-DNA position 1000, G replaced by A.
Protein change: p.Val334Met; replaces valine 334 with methionine.
Molecular consequence: missense variant.
Genome position (GRCh38, 1-based): chr1:161,212,364, G>A. VCF-style: chr1-161212364-G-A. GRCh37 (hg19) VCF-style: chr1-161182154-G-A.
Other names: c.1000G>A, p.Val334Met (NM_001166159.2, NM_001377298.1, NM_001377300.1 and 3 more transcripts); short protein forms V334M.
Identifiers: ClinVar variation 1472976 (VCV001472976.6), dbSNP rs2102053779, ClinGen allele CA343381548.
Genomic context (GRCh38, chr1:161,212,364, plus strand): 5'-CCTGCTCCTCTGACTGTTCTTCTCTTGCTCTGTCTCATCTTCTTGAGGTACCTGTGCCGG[G>A]TGGAGGAGATGCGCCAGTCCCTGAGAATTATCGCACAGTGTCTAAACAAGATGCCTCCTG-3'
Protein context (NP_001364228.1, residues 324-344): GDCYDRYLCR[Val334Met]EEMRQSLRII

ClinVar aggregate classification (germline): Uncertain significance (1 of 4 stars; one submission).

Submission:

Labcorp Genetics (formerly Invitae), Labcorp
Classification: Uncertain significance. Last evaluated: 2021-12-02. Review status: criteria provided, single submitter. Criteria: Invitae Variant Classification Sherloc (09022015). Collection method: clinical testing. Allele origin: germline.
Comment: This sequence change replaces valine, which is neutral and non-polar, with methionine, which is neutral and non-polar, at codon 334 of the NDUFS2 protein (p.Val334Met). This variant is not present in population databases (gnomAD no frequency). This variant has not been reported in the literature in individuals affected with NDUFS2-related conditions. Algorithms developed to predict the effect of missense changes on protein structure and function are either unavailable or do not agree on the potential impact of this missense change (SIFT: "Deleterious"; PolyPhen-2: "Benign"; Align-GVGD: "Class C0"). In summary, the available evidence is currently insufficient to determine the role of this variant in disease. Therefore, it has been classified as a Variant of Uncertain Significance.